The following is an entry in ClinVar:

NM_004086.3(COCH):c.223G>A (p.Gly75Arg)

Genes: COCH (cochlin; plus strand), COCH-AS1 (COCH antisense RNA 1; minus strand). Cytogenetic location: 14q12.
Variant type: single nucleotide variant.
Coding change: c.223G>A on transcript NM_004086.3 (MANE Select); coding-DNA position 223, G replaced by A.
Protein change: p.Gly75Arg; replaces glycine 75 with arginine.
Molecular consequence: missense variant.
Genome position (GRCh38, 1-based): chr14:30,877,712, G>A. VCF-style: chr14-30877712-G-A. GRCh37 (hg19) VCF-style: chr14-31346918-G-A.
Other names: c.223G>A, p.Gly75Arg (NM_001135058.2); c.418G>A, p.Gly140Arg (NM_001347720.2); short protein forms G140R, G75R.
Identifiers: ClinVar variation 3356522 (VCV003356522.2).
Genomic context (GRCh38, chr14:30,877,712, plus strand): 5'-CCTCTTGAGGAATTCTCTGTGTATGGGAACATAGTATATGCTTCTGTATCGAGCATATGT[G>A]GGGCTGCTGTCCACAGGTAAGCCCAAACACACCAGGGTGGGAGAGAAATGCAGACGTGAT-3'
Protein context (NP_004077.1, residues 65-85): IVYASVSSIC[Gly75Arg]AAVHRGVISN

ClinVar aggregate classification (germline): Uncertain significance. Review status: criteria provided, single submitter (1 of 4 stars). 2 submissions from 2 submitters: Uncertain significance (1). 1 of the submissions does not count toward it. Last evaluated 2025-05-22.

Conditions:
COCH-related disorder. Also called: COCH-related condition.

gnomAD v4.1: 17 of 1,614,166 alleles (0.0011%); highest among the groups gnomAD compares: Non-Finnish European, 0.0014%; no homozygotes.

Submissions (2):

Labcorp Genetics (formerly Invitae), Labcorp
Classification: Uncertain significance. Last evaluated: 2025-05-22. Review status: criteria provided, single submitter. Criteria: Invitae Variant Classification Sherloc (09022015). Collection method: clinical testing. Allele origin: germline.
Comment: This sequence change replaces glycine, which is neutral and non-polar, with arginine, which is basic and polar, at codon 75 of the COCH protein (p.Gly75Arg). This variant is present in population databases (rs755669391, gnomAD 0.0009%). This variant has not been reported in the literature in individuals affected with COCH-related conditions. ClinVar contains an entry for this variant (Variation ID: 3356522). Invitae Evidence Modeling of protein sequence and biophysical properties (such as structural, functional, and spatial information, amino acid conservation, physicochemical variation, residue mobility, and thermodynamic stability) indicates that this missense variant is expected to disrupt COCH protein function with a positive predictive value of 95%. In summary, the available evidence is currently insufficient to determine the role of this variant in disease. Therefore, it has been classified as a Variant of Uncertain Significance.

PreventionGenetics, part of Exact Sciences
Classification: Uncertain significance for COCH-related condition. Last evaluated: 2024-04-02. Review status: no assertion criteria provided. Collection method: clinical testing. Allele origin: germline. Not counted in ClinVar's aggregate classification.
Comment: The COCH c.223G>A variant is predicted to result in the amino acid substitution p.Gly75Arg. To our knowledge, this variant has not been reported in the literature. This variant is reported in 0.00088% of alleles in individuals of European (Non-Finnish) descent in gnomAD. At this time, the clinical significance of this variant is uncertain due to the absence of conclusive functional and genetic evidence.